The following is an entry in ClinVar:

ClinVar aggregate classification (germline): Uncertain significance. Review status: criteria provided, multiple submitters, no conflicts (2 of 4 stars). 4 submissions from 4 submitters: Uncertain significance (3). 1 of the submissions does not count toward it. Last evaluated 2026-01-08.

Conditions:
Inborn genetic diseases. Identifiers: MedGen C0950123, MeSH D030342.
Usher syndrome type 1F (USH1F). Also called: USHER SYNDROME, TYPE IF. Identifiers: Orphanet 231169, Orphanet 886, MedGen C1865885, MONDO:0011186, OMIM 602083.

Allele frequency attached by ClinVar (database versions not stated): gnomAD exomes below 0.00001; gnomAD 0.00001; TOPMed 0.00001.
gnomAD v4.1: 28 of 1,613,918 alleles (0.0017%); highest among the groups gnomAD compares: African/African-American, 0.0027%; no homozygotes.

Submissions (4):

Labcorp Genetics (formerly Invitae), Labcorp
Classification: Uncertain significance. Last evaluated: 2026-01-08. Review status: criteria provided, single submitter. Criteria: Invitae Variant Classification Sherloc (09022015). Collection method: clinical testing. Allele origin: germline.
Comment: This sequence change replaces alanine, which is neutral and non-polar, with threonine, which is neutral and polar, at codon 1496 of the PCDH15 protein (p.Ala1496Thr). This variant is present in population databases (no rsID available, gnomAD 0.0009%). This variant has not been reported in the literature in individuals affected with PCDH15-related conditions. ClinVar contains an entry for this variant (Variation ID: 968845). Invitae Evidence Modeling of protein sequence and biophysical properties (such as structural, functional, and spatial information, amino acid conservation, physicochemical variation, residue mobility, and thermodynamic stability) indicates that this missense variant is not expected to disrupt PCDH15 protein function with a negative predictive value of 95%. In summary, the available evidence is currently insufficient to determine the role of this variant in disease. Therefore, it has been classified as a Variant of Uncertain Significance.

Ambry Genetics
Classification: Uncertain significance for Inborn genetic diseases. Last evaluated: 2025-08-28. Review status: criteria provided, single submitter. Criteria: Ambry Variant Classification Scheme 2023. Collection method: clinical testing. Allele origin: germline.

Blueprint Genetics
Classification: Uncertain significance. Last evaluated: 2023-07-03. Review status: criteria provided, single submitter. Criteria: ACMG Guidelines, 2015. Collection method: clinical testing. Allele origin: germline.

Natera, Inc.
Classification: Uncertain significance for Usher syndrome type 1F. Last evaluated: 2020-09-12. Review status: no assertion criteria provided. Collection method: clinical testing. Allele origin: germline. Not counted in ClinVar's aggregate classification.

NM_033056.4(PCDH15):c.4486G>A (p.Ala1496Thr)

Gene: PCDH15 (protocadherin related 15; minus strand). Cytogenetic location: 10q21.1.
Variant type: single nucleotide variant.
Coding change: c.4486G>A on transcript NM_033056.4 (MANE Plus Clinical); coding-DNA position 4486, G replaced by A.
Protein change: p.Ala1496Thr; replaces alanine 1496 with threonine.
Molecular consequence: missense variant. On other transcripts: intron variant (8).
Genome position (GRCh38, 1-based): chr10:53,823,240, C>T on the plus strand (G>A on the coding strand, the complement: PCDH15 is on the minus strand). VCF-style: chr10-53823240-C-T. GRCh37 (hg19) VCF-style: chr10-55583000-C-T.
Other names: c.4366G>A, p.Ala1456Thr (NM_001142767.2); c.4426G>A, p.Ala1476Thr (NM_001142768.2); c.4417G>A, p.Ala1473Thr (NM_001142773.2); c.4420G>A, p.Ala1474Thr (NM_001354404.2); c.4367+4153G>A (NM_001354420.2, NM_001354429.2); c.4368-3010G>A (NM_001384140.1); c.4373+1896G>A (NM_001142772.2, NM_001142770.3); c.4388+1896G>A (NM_001142771.2); and 6 more; short protein forms A1474T, A1496T, A1498T, A1503T, A1427T, A1473T, A1493T, A1476T.
Identifiers: ClinVar variation 968845 (VCV000968845.8), dbSNP rs1415736170, ClinGen allele CA376527227.